The following is an entry in ClinVar:

NM_012301.4(MAGI2):c.1425T>C (p.Tyr475=)

Gene: MAGI2 (membrane associated guanylate kinase, WW and PDZ domain containing 2; minus strand). Cytogenetic location: 7q21.11.
Variant type: single nucleotide variant.
Coding change: c.1425T>C on transcript NM_012301.4 (MANE Select); coding-DNA position 1425, T replaced by C.
Protein change: p.Tyr475=; no amino-acid change (tyrosine 475 retained).
Molecular consequence: synonymous variant.
Genome position (GRCh38, 1-based): chr7:78,256,565, A>G on the plus strand (T>C on the coding strand, the complement: MAGI2 is on the minus strand). VCF-style: chr7-78256565-A-G. GRCh37 (hg19) VCF-style: chr7-77885882-A-G.
Other names: c.1425T>C, p.Tyr475= (NM_001301128.2).
Identifiers: ClinVar variation 755069 (VCV000755069.12), dbSNP rs148086431, ClinGen allele CA4314001.

ClinVar aggregate classification (germline): Conflicting classifications of pathogenicity. Review status: criteria provided, conflicting classifications (1 of 4 stars). 4 submissions from 4 submitters: Uncertain significance (1); Likely benign (3). Last evaluated 2025-09-13.

Conditions:
MAGI2-related disorder. Also called: MAGI2-related condition.

Allele frequency attached by ClinVar (database versions not stated): gnomAD 0.00001; gnomAD exomes 0.00001 and 0.00002; 1000 Genomes Project 30x 0.00016; 1000 Genomes Project 0.00020; TOPMed 0.00002; ExAC 0.00003; ESP Exome Variant Server 0.00008.
gnomAD v4.1: 11 of 1,612,994 alleles (0.00068%); highest among the groups gnomAD compares: Admixed American, 0.0084%; no homozygotes.

Submissions (4):

PreventionGenetics, part of Exact Sciences
Classification: Likely benign for MAGI2-related condition. Last evaluated: 2025-09-13. Review status: criteria provided, single submitter. Criteria: ACMG Guidelines, 2015. Collection method: clinical testing. Allele origin: germline.
Comment: This variant is classified as likely benign based on ACMG/AMP sequence variant interpretation guidelines (Richards et al. 2015 PMID: 25741868, with internal and published modifications).

Blueprint Genetics
Classification: Likely benign. Last evaluated: 2024-08-16. Review status: criteria provided, single submitter. Criteria: ACMG Guidelines, 2015. Collection method: clinical testing. Allele origin: germline.

Labcorp Genetics (formerly Invitae), Labcorp
Classification: Likely benign. Last evaluated: 2022-03-22. Review status: criteria provided, single submitter. Criteria: Invitae Variant Classification Sherloc (09022015). Collection method: clinical testing. Allele origin: germline.

Athena Diagnostics
Classification: Uncertain significance. Last evaluated: 2019-08-28. Review status: criteria provided, single submitter. Criteria: Athena Diagnostics Criteria. Collection method: clinical testing. Allele origin: unknown.